The following is an entry in ClinVar:

NM_001378615.1(CC2D2A):c.1468C>T (p.Gln490Ter)

Genes: FBXL5 (F-box and leucine rich repeat protein 5; minus strand), CC2D2A (coiled-coil and C2 domain containing 2A; plus strand). Cytogenetic location: 4p15.32.
Variant type: single nucleotide variant.
Coding change: c.1468C>T on transcript NM_001378615.1 (MANE Select); coding-DNA position 1468, C replaced by T.
Protein change: p.Gln490Ter; replaces glutamine 490 with a stop codon.
Molecular consequence: nonsense.
Genome position (GRCh38, 1-based): chr4:15,533,194, C>T. VCF-style: chr4-15533194-C-T. GRCh37 (hg19) VCF-style: chr4-15534817-C-T.
Other names: c.1468C>T, p.Gln490Ter (NM_001080522.2); c.1321C>T, p.Gln441Ter (NM_001378617.1); short protein forms Q490*, Q441*.
Identifiers: ClinVar variation 634448 (VCV000634448.7), dbSNP rs1288358527, ClinGen allele CA356410822.

ClinVar aggregate classification (germline): Pathogenic. Review status: criteria provided, multiple submitters, no conflicts (2 of 4 stars). 2 submissions from 2 submitters: Pathogenic (2). Last evaluated 2024-09-06.

Conditions:
Joubert syndrome. Also called: JOUBERT-BOLTSHAUSER SYNDROME; Familial aplasia of the vermis. Identifiers: Orphanet 475, MedGen C5979921, MONDO:0018772.
Meckel-Gruber syndrome. Also called: Dysencephalia splachnocystica; DYSENCEPHALIA SPLANCHNOCYSTICA; GRUBER SYNDROME. Identifiers: Orphanet 564, MedGen C0265215, MONDO:0018921.

gnomAD v4.1: 1 of 1,577,392 alleles (0.000063%); highest among the groups gnomAD compares: Non-Finnish European, 0.000086%; no homozygotes.

Submissions (2):

Labcorp Genetics (formerly Invitae), Labcorp
Classification: Pathogenic for Joubert syndrome; Meckel-Gruber syndrome. Last evaluated: 2024-09-06. Review status: criteria provided, single submitter. Criteria: Invitae Variant Classification Sherloc (09022015). Collection method: clinical testing. Allele origin: germline.
Comment: This sequence change creates a premature translational stop signal (p.Gln490*) in the CC2D2A gene. It is expected to result in an absent or disrupted protein product. Loss-of-function variants in CC2D2A are known to be pathogenic (PMID: 19777577). This variant is not present in population databases (gnomAD no frequency). This variant has not been reported in the literature in individuals affected with CC2D2A-related conditions. ClinVar contains an entry for this variant (Variation ID: 634448). For these reasons, this variant has been classified as Pathogenic.

Genomic Research Center, Shahid Beheshti University of Medical Sciences
Classification: Pathogenic. Last evaluated: 2019-01-01. Review status: criteria provided, single submitter. Criteria: ACMG Guidelines, 2015. Collection method: research. Allele origin: unknown. Affected: no. Observed: 1 variant allele.

Literature cited by the submitters: PubMed 19777577 (cited by Labcorp Genetics (formerly Invitae), Labcorp).